The following is an entry in ClinVar:

ClinVar aggregate classification (germline): Uncertain significance (1 of 4 stars; one submission).

Allele frequency attached by ClinVar (database versions not stated): gnomAD exomes below 0.00001; TOPMed below 0.00001.
gnomAD v4.1: 2 of 1,612,108 alleles (0.00012%); highest among the groups gnomAD compares: Non-Finnish European, 0.00017%; no homozygotes.

Submission:

Labcorp Genetics (formerly Invitae), Labcorp
Classification: Uncertain significance. Last evaluated: 2021-08-14. Review status: criteria provided, single submitter. Criteria: Invitae Variant Classification Sherloc (09022015). Collection method: clinical testing. Allele origin: germline.
Comment: This sequence change replaces valine with aspartic acid at codon 319 of the PYROXD1 protein (p.Val319Asp). The valine residue is highly conserved and there is a large physicochemical difference between valine and aspartic acid. This variant is not present in population databases (ExAC no frequency). This variant has not been reported in the literature in individuals affected with PYROXD1-related conditions. Algorithms developed to predict the effect of missense changes on protein structure and function are either unavailable or do not agree on the potential impact of this missense change (SIFT: "Deleterious"; PolyPhen-2: "Probably Damaging"; Align-GVGD: "Class C0"). In summary, the available evidence is currently insufficient to determine the role of this variant in disease. Therefore, it has been classified as a Variant of Uncertain Significance.

NM_024854.5(PYROXD1):c.956T>A (p.Val319Asp)

Gene: PYROXD1 (pyridine nucleotide-disulphide oxidoreductase domain 1; plus strand). Cytogenetic location: 12p12.1.
Variant type: single nucleotide variant.
Coding change: c.956T>A on transcript NM_024854.5 (MANE Select); coding-DNA position 956, T replaced by A.
Protein change: p.Val319Asp; replaces valine 319 with aspartic acid.
Molecular consequence: missense variant.
Genome position (GRCh38, 1-based): chr12:21,462,083, T>A. VCF-style: chr12-21462083-T-A. GRCh37 (hg19) VCF-style: chr12-21615017-T-A.
Other names: c.743T>A, p.Val248Asp (NM_001350912.2); c.179T>A, p.Val60Asp (NM_001350913.2); short protein forms V248D, V319D, V60D.
Identifiers: ClinVar variation 1512635 (VCV001512635.6), dbSNP rs911652877, ClinGen allele CA233554231.